The following is an entry in ClinVar:

NM_001111.5(ADAR):c.1A>G (p.Met1Val)

Genes: ADAR (adenosine deaminase RNA specific; minus strand), LOC129931512 (ATAC-STARR-seq lymphoblastoid silent region 1364; plus strand). Cytogenetic location: 1q21.3.
Variant type: single nucleotide variant.
Coding change: c.1A>G on transcript NM_001111.5 (MANE Select); coding-DNA position 1, A replaced by G.
Protein change: p.Met1Val; changes the start codon (methionine 1).
Molecular consequence: missense variant, initiator codon variant. On other transcripts: 5 prime UTR variant (2), intron variant (4).
Genome position (GRCh38, 1-based): chr1:154,608,006, T>C on the plus strand (A>G on the coding strand, the complement: ADAR is on the minus strand). VCF-style: chr1-154608006-T-C. GRCh37 (hg19) VCF-style: chr1-154580482-T-C.
Other names: c.-749A>G (NM_001365047.1, NM_001365049.1); c.1A>G, p.Met1Val (NM_015840.4, NM_015841.4); c.-734-5380A>G (NM_001365046.1); c.43-5380A>G (NM_001365045.1); c.-870-5380A>G (NM_001025107.3); c.-871+745A>G (NM_001365048.1); short protein forms M1V.
Identifiers: ClinVar variation 931633 (VCV000931633.12), dbSNP rs1698314927, ClinGen allele CA342612306.

ClinVar aggregate classification (germline): Uncertain significance. Review status: criteria provided, multiple submitters, no conflicts (2 of 4 stars). 3 submissions from 3 submitters: Uncertain significance (3). Last evaluated 2025-04-08.

Conditions:
Symmetrical dyschromatosis of extremities (DSH). Also called: RETICULATE ACROPIGMENTATION OF DOHI; SYMMETRIC DYSCHROMATOSIS OF THE EXTREMITIES; DYSCHROMATOSIS SYMMETRICA HEREDITARIA 1; Dyschromatosis symmetrica hereditaria. Identifiers: Orphanet 41, MedGen C0406775, MONDO:0007483, OMIM 127400.
Aicardi-Goutieres syndrome 6 (AGS6). Identifiers: Orphanet 51, MedGen C3539013, MONDO:0014007, OMIM 615010.

Allele frequency attached by ClinVar (database versions not stated): gnomAD exomes below 0.00001.

Submissions (3):

Labcorp Genetics (formerly Invitae), Labcorp
Classification: Uncertain significance for Aicardi-Goutieres syndrome 6; Symmetrical dyschromatosis of extremities. Last evaluated: 2025-04-08. Review status: criteria provided, single submitter. Criteria: Invitae Variant Classification Sherloc (09022015). Collection method: clinical testing. Allele origin: germline.
Comment: This sequence change affects the initiator methionine of the ADAR mRNA. The next in-frame methionine is located at codon 296. This variant is not present in population databases (gnomAD no frequency). Disruption of the initiator codon has been observed in individual(s) with Aicardi-Goutieres syndrome (PMID: 29221912, 35551623). ClinVar contains an entry for this variant (Variation ID: 931633). In summary, the available evidence is currently insufficient to determine the role of this variant in disease. Therefore, it has been classified as a Variant of Uncertain Significance.

Genome-Nilou Lab
Classification: Uncertain significance for Aicardi-Goutieres syndrome 6. Last evaluated: 2023-04-11. Review status: criteria provided, single submitter. Criteria: ACMG Guidelines, 2015. Collection method: clinical testing. Allele origin: germline. Affected: no.

Centre for Mendelian Genomics, University Medical Centre Ljubljana
Classification: Uncertain significance for Aicardi-Goutieres syndrome 6. Last evaluated: 2019-08-20. Review status: criteria provided, single submitter. Criteria: ACMG Guidelines, 2015. Collection method: clinical testing. Allele origin: unknown. Affected: yes.
Comment: This variant was classified as: Uncertain significance. The available evidence on this variant's pathogenicity is insufficient or conflicting. The following ACMG criteria were applied in classifying this variant: PM2.

Literature cited by the submitters: PubMed 29221912 (cited by Labcorp Genetics (formerly Invitae), Labcorp); PubMed 35551623 (cited by Labcorp Genetics (formerly Invitae), Labcorp).